The following is an entry in ClinVar:

NM_001853.4(COL9A3):c.1603+2T>C

Genes: COL9A3 (collagen type IX alpha 3 chain; plus strand), LOC126863084 (MED14-independent group 3 enhancer GRCh37_chr20:61467141-61468340; plus strand). Cytogenetic location: 20q13.33.
Variant type: single nucleotide variant.
Coding change: c.1603+2T>C on transcript NM_001853.4 (MANE Select); the canonical splice donor site of the intron after coding-DNA position 1603, T replaced by C.
Molecular consequence: splice donor variant.
Genome position (GRCh38, 1-based): chr20:62,836,534, T>C. VCF-style: chr20-62836534-T-C. GRCh37 (hg19) VCF-style: chr20-61467886-T-C.
Identifiers: ClinVar variation 2751296 (VCV002751296.3), dbSNP rs2516087034, ClinGen allele CA409598759.

ClinVar aggregate classification (germline): Likely pathogenic (1 of 4 stars; one submission).

Submission:

Labcorp Genetics (formerly Invitae), Labcorp
Classification: Likely pathogenic. Last evaluated: 2023-08-08. Review status: criteria provided, single submitter. Criteria: Invitae Variant Classification Sherloc (09022015). Collection method: clinical testing. Allele origin: germline.
Comment: This sequence change affects a donor splice site in intron 29 of the COL9A3 gene. It is expected to disrupt RNA splicing. Variants that disrupt the donor or acceptor splice site typically lead to a loss of protein function (PMID: 16199547), and loss-of-function variants in COL9A3 are known to be pathogenic (PMID: 24273071, 31090205). This variant is not present in population databases (gnomAD no frequency). This variant has not been reported in the literature in individuals affected with COL9A3-related conditions. Algorithms developed to predict the effect of sequence changes on RNA splicing suggest that this variant may disrupt the consensus splice site. In summary, the currently available evidence indicates that the variant is pathogenic, but additional data are needed to prove that conclusively. Therefore, this variant has been classified as Likely Pathogenic.

Literature cited by the submitters: PubMed 16199547; PubMed 24273071; PubMed 31090205.